The following is an entry in ClinVar:

NM_025219.3(DNAJC5):c.322G>T (p.Ala108Ser)

Gene: DNAJC5 (DnaJ heat shock protein family (Hsp40) member C5; plus strand). Cytogenetic location: 20q13.33.
Variant type: single nucleotide variant.
Coding change: c.322G>T on transcript NM_025219.3 (MANE Select); coding-DNA position 322, G replaced by T.
Protein change: p.Ala108Ser; replaces alanine 108 with serine.
Molecular consequence: missense variant.
Genome position (GRCh38, 1-based): chr20:63,930,851, G>T. VCF-style: chr20-63930851-G-T. GRCh37 (hg19) VCF-style: chr20-62562204-G-T.
Other names: short protein forms A108S.
Identifiers: ClinVar variation 566366 (VCV000566366.9), dbSNP rs1322303376, ClinGen allele CA409718368.
Genomic context (GRCh38, chr20:63,930,851, plus strand): 5'-CTGCGCCTCCCTCTCCAGGGGCCTCGGAGGCCATGCAACACCACCTTCTTCTCCCCCCAG[G>T]CCCTGTTTGTCTTCTGCGGCCTCCTCACGTGCTGCTACTGCTGCTGCTGTCTGTGCTGCT-3'
Protein context (NP_079495.1, residues 98-118): YFVLSSWWAK[Ala108Ser]LFVFCGLLTC

ClinVar aggregate classification (germline): Uncertain significance (1 of 4 stars; one submission).

Conditions:
Neuronal ceroid lipofuscinosis. Also called: Neuronal Ceroid Lipofuscinoses. Identifiers: Orphanet 216, Orphanet 79263, MedGen C0027877, MONDO:0016295. Disease mechanism: loss of function.

Allele frequency attached by ClinVar (database versions not stated): gnomAD exomes below 0.00001.
gnomAD v4.1: 1 of 1,612,496 alleles (0.000062%); highest among the groups gnomAD compares: Non-Finnish European, 0.000085%; no homozygotes.

Submissions (2):

Labcorp Genetics (formerly Invitae), Labcorp
Classification: Uncertain significance for Neuronal ceroid lipofuscinosis. Last evaluated: 2021-02-02. Review status: criteria provided, single submitter. Criteria: Invitae Variant Classification Sherloc (09022015). Collection method: clinical testing. Allele origin: germline.
Comment: In summary, the available evidence is currently insufficient to determine the role of this variant in disease. Therefore, it has been classified as a Variant of Uncertain Significance. This variant has not been reported in the literature in individuals with DNAJC5-related disease. This variant is not present in population databases (ExAC no frequency). This sequence change replaces alanine with serine at codon 108 of the DNAJC5 protein (p.Ala108Ser). The alanine residue is highly conserved and there is a moderate physicochemical difference between alanine and serine. Algorithms developed to predict the effect of missense changes on protein structure and function (SIFT, PolyPhen-2, Align-GVGD) all suggest that this variant is likely to be tolerated, but these predictions have not been confirmed by published functional studies and their clinical significance is uncertain.

Dr. Peter K. Rogan Lab, Western University
No classification provided (evidence only). Condition: Ovarian serous cystadenocarcinoma. Review status: no classification provided. Collection method: in vitro. Allele origin: not applicable. Functional consequence: retained intron. Not counted in ClinVar's aggregate classification.